The following is an entry in ClinVar:

ClinVar aggregate classification (germline): Pathogenic (1 of 4 stars; one submission).

Conditions:
Hereditary spastic paraplegia 30. Identifiers: Orphanet 101010, MedGen C5235139, MONDO:0012476.
Neuropathy, hereditary sensory, type 2C. Also called: Hereditary sensory and autonomic neuropathy type IIC; KIF1A-Related HSAN2 (HSAN2C). Identifiers: Orphanet 970, MedGen C3280168, MONDO:0013634, OMIM 614213.
Intellectual disability, autosomal dominant 9 (NESCAVS). Also called: NESCAV SYNDROME; KIF1A-Related Neurodevelopmental Disorder. Identifiers: Orphanet 662367, MedGen C5393830, MONDO:0013656, OMIM 614255.

Submission:

Labcorp Genetics (formerly Invitae), Labcorp
Classification: Pathogenic for Hereditary spastic paraplegia 30; Neuropathy, hereditary sensory, type 2C; Intellectual disability, autosomal dominant 9. Last evaluated: 2024-03-07. Review status: criteria provided, single submitter. Criteria: Invitae Variant Classification Sherloc (09022015). Collection method: clinical testing. Allele origin: germline.
Comment: This sequence change creates a premature translational stop signal (p.Glu1466Valfs*47) in the KIF1A gene. It is expected to result in an absent or disrupted protein product. Loss-of-function variants in KIF1A are known to be pathogenic (PMID: 21820098). This variant is not present in population databases (gnomAD no frequency). This variant has not been reported in the literature in individuals affected with KIF1A-related conditions. For these reasons, this variant has been classified as Pathogenic.

Literature cited by the submitters: PubMed 21820098.

NM_001244008.2(KIF1A):c.4700_4701del (p.Glu1567fs)

Gene: KIF1A (kinesin family member 1A; minus strand). Cytogenetic location: 2q37.3.
Variant type: Microsatellite.
Coding change: c.4700_4701del on transcript NM_001244008.2 (MANE Select); coding-DNA positions 4700 to 4701, 2 bases deleted (AG; older notation c.4700_4701delAG).
Protein change: p.Glu1567fs; shifts the reading frame from glutamic acid 1567.
Molecular consequence: frameshift variant.
Genome position (GRCh38, 1-based): chr2:240,721,849-240,721,850, CT deleted on the plus strand (AG on the coding strand, the reverse complement: KIF1A is on the minus strand); deleting any 2 consecutive bases within chr2:240,721,849-240,721,854 gives the same sequence; the c. name uses the placement nearest the transcript's 3' end. VCF-style (leftmost placement, unchanged base first): chr2-240721848-ACT-A. GRCh37 (hg19) VCF-style: chr2-241661265-ACT-A.
Other names: c.4424_4425del, p.Glu1475fs (NM_001320705.2, NM_001379649.1); c.4451_4452del, p.Glu1484fs (NM_001330289.2); c.4499_4500del, p.Glu1500fs (NM_001330290.2, NM_001379648.1); c.4775_4776del, p.Glu1592fs (NM_001379631.1); c.4676_4677del, p.Glu1559fs (NM_001379632.1); c.4673_4674del, p.Glu1558fs (NM_001379633.1, NM_001379645.1); c.4526_4527del, p.Glu1509fs (NM_001379634.1); c.4523_4524del, p.Glu1508fs (NM_001379635.1, NM_001379646.1); and 8 more; short protein forms E1475fs, E1484fs, E1491fs, E1508fs, E1559fs, E1567fs, E1474fs, E1500fs.
Identifiers: ClinVar variation 1962714 (VCV001962714.5), dbSNP rs2536680543, ClinGen allele CA2577300913.